The following is an entry in ClinVar:

NM_019892.6(INPP5E):c.210C>T (p.Ile70=)

Gene: INPP5E (inositol polyphosphate-5-phosphatase E; minus strand). Cytogenetic location: 9q34.3.
Variant type: single nucleotide variant.
Coding change: c.210C>T on transcript NM_019892.6 (MANE Select); coding-DNA position 210, C replaced by T.
Protein change: p.Ile70=; no amino-acid change (isoleucine 70 retained).
Molecular consequence: synonymous variant.
Genome position (GRCh38, 1-based): chr9:136,439,210, G>A on the plus strand (C>T on the coding strand, the complement: INPP5E is on the minus strand). VCF-style: chr9-136439210-G-A. GRCh37 (hg19) VCF-style: chr9-139333662-G-A.
Other names: c.210C>T (NM_019892.5); c.210C>T, p.Ile70= (NM_001318502.2).
Identifiers: ClinVar variation 1586374 (VCV001586374.10), dbSNP rs1444322599, ClinGen allele CA467828517.
Genomic context (GRCh38, chr9:136,439,210, plus strand): 5'-GCCCTTGTCGTCCAGGGACAGGGCTCGCTCCAGTCGAGGCCTGGCGGGGGGCCGCGGGGC[G>A]ATGGGTGCTGCTCGGGCTGGCGGGTCCTCGCCGCTGGGCGTGGCCGGAGTGCTGCAGGCA-3'
Protein context (NP_063945.2, residues 60-80): GEDPPARAAP[Ile70=]APRPPARPRL

ClinVar aggregate classification (germline): Likely benign. Review status: criteria provided, single submitter (1 of 4 stars). 2 submissions from 2 submitters: Likely benign (1). 1 of the submissions does not count toward it. Last evaluated 2022-07-25.

Conditions:
INPP5E-related disorder. Also called: INPP5E-related condition.
Joubert syndrome. Also called: CEREBELLOPARENCHYMAL DISORDER IV; JOUBERT-BOLTSHAUSER SYNDROME; Familial aplasia of the vermis. Identifiers: Orphanet 475, MedGen C5979921, MONDO:0018772.

gnomAD v4.1: 7 of 1,539,054 alleles (0.00045%); highest among the groups gnomAD compares: Admixed American, 0.0078%; no homozygotes.

Submissions (2):

Labcorp Genetics (formerly Invitae), Labcorp
Classification: Likely benign for Joubert syndrome. Last evaluated: 2022-07-25. Review status: criteria provided, single submitter. Criteria: Invitae Variant Classification Sherloc (09022015). Collection method: clinical testing. Allele origin: germline.

PreventionGenetics, part of Exact Sciences
Classification: Likely benign for INPP5E-related condition. Last evaluated: 2021-12-08. Review status: no assertion criteria provided. Collection method: clinical testing. Allele origin: germline. Not counted in ClinVar's aggregate classification.
Comment: This variant is classified as likely benign based on ACMG/AMP sequence variant interpretation guidelines (Richards et al. 2015 PMID: 25741868, with internal and published modifications).